The following is an entry in ClinVar:

NM_004006.3(DMD):c.4072-259A>G

Gene: DMD (dystrophin; minus strand). Cytogenetic location: Xp21.1.
Variant type: single nucleotide variant.
Coding change: c.4072-259A>G on transcript NM_004006.3 (MANE Select); 259 bases into the intron before coding-DNA position 4072, A replaced by G.
Molecular consequence: intron variant. On other transcripts: missense variant (1), 5 prime UTR variant (1).
Genome position (GRCh38, 1-based): chrX:32,412,172, T>C on the plus strand (A>G on the coding strand, the complement: DMD is on the minus strand). VCF-style: chrX-32412172-T-C. GRCh37 (hg19) VCF-style: chrX-32430289-T-C.
Other names: c.38A>G, p.Tyr13Cys (NM_004011.4); c.-115A>G (NM_004012.4); c.4048-259A>G (NM_000109.4); c.4060-259A>G (NM_004009.3); c.3703-259A>G (NM_004010.3); short protein forms Y13C.
Identifiers: ClinVar variation 4980310 (VCV004980310.1).
Genomic context (GRCh38, chrX:32,412,172, plus strand): 5'-ACTATAGGATCAGGGATCTCTGCATGAAAATCAATCACAATATCACGTACATTAAGGAAA[T>C]AGGCTGGAAAAAAAATTAGCAAAATCATCTCAGTCATTGCAATCTGTCTTTCTCAGGTCG-3'

ClinVar aggregate classification (germline): Likely benign (1 of 4 stars; one submission).

Conditions:
DMD-related disorder. Also called: DMD-related condition.

gnomAD v4.1: 66 of 1,107,564 alleles (0.006%); highest among the groups gnomAD compares: South Asian, 0.1%; no homozygotes.

Submission:

PreventionGenetics, part of Exact Sciences
Classification: Likely benign for DMD-related condition. Last evaluated: 2025-01-25. Review status: criteria provided, single submitter. Criteria: ACMG Guidelines, 2015. Collection method: clinical testing. Allele origin: germline.
Comment: This variant is classified as likely benign based on ACMG/AMP sequence variant interpretation guidelines (Richards et al. 2015 PMID: 25741868, with internal and published modifications).